The following is an entry in ClinVar:

NM_001388308.1(KIF12):c.1000G>A (p.Gly334Arg)

Gene: KIF12 (kinesin family member 12; minus strand). Cytogenetic location: 9q32.
Variant type: single nucleotide variant.
Coding change: c.1000G>A on transcript NM_001388308.1 (MANE Select); coding-DNA position 1000, G replaced by A.
Protein change: p.Gly334Arg; replaces glycine 334 with arginine.
Molecular consequence: missense variant.
Genome position (GRCh38, 1-based): chr9:114,095,228, C>T on the plus strand (G>A on the coding strand, the complement: KIF12 is on the minus strand). VCF-style: chr9-114095228-C-T. GRCh37 (hg19) VCF-style: chr9-116857508-C-T.
Other names: c.586G>A, p.Gly196Arg (NM_138424.2); short protein forms G196R, G334R.
Identifiers: ClinVar variation 3627012 (VCV003627012.2).

ClinVar aggregate classification (germline): Uncertain significance (1 of 4 stars; one submission).

gnomAD v4.1: 62 of 1,613,666 alleles (0.0038%); highest among the groups gnomAD compares: African/African-American, 0.0067%; no homozygotes.

Submission:

Labcorp Genetics (formerly Invitae), Labcorp
Classification: Uncertain significance. Last evaluated: 2024-02-08. Review status: criteria provided, single submitter. Criteria: Invitae Variant Classification Sherloc (09022015). Collection method: clinical testing. Allele origin: germline.
Comment: This sequence change replaces glycine, which is neutral and non-polar, with arginine, which is basic and polar, at codon 196 of the KIF12 protein (p.Gly196Arg). This variant is present in population databases (rs370397748, gnomAD 0.008%). This variant has not been reported in the literature in individuals affected with KIF12-related conditions. An algorithm developed to predict the effect of missense changes on protein structure and function (PolyPhen-2) suggests that this variant is likely to be disruptive. In summary, the available evidence is currently insufficient to determine the role of this variant in disease. Therefore, it has been classified as a Variant of Uncertain Significance.